The following is an entry in ClinVar:

NM_001367624.2(ZNF469):c.3277del (p.Asp1093fs)

Genes: ZNF469 (zinc finger protein 469; plus strand), LOC130059718 (ATAC-STARR-seq lymphoblastoid silent region 7847; plus strand). Cytogenetic location: 16q24.2.
Variant type: Deletion.
Coding change: c.3277del on transcript NM_001367624.2 (MANE Select); coding-DNA position 3277, one base deleted (G; older notation c.3277delG).
Protein change: p.Asp1093fs; shifts the reading frame from aspartic acid 1093.
Molecular consequence: frameshift variant.
Genome position (GRCh38, 1-based): chr16:88,430,747, G deleted. VCF-style (leftmost placement, unchanged base first): chr16-88430746-CG-C. GRCh37 (hg19) VCF-style: chr16-88497154-CG-C.
Other names: short protein forms D1093fs.
Identifiers: ClinVar variation 2762356 (VCV002762356.3), dbSNP rs2507582702, ClinGen allele CA2697556000.
Genomic context (GRCh38, chr16:88,430,746, plus strand): 5'-CGGCTCCCTGGCGGCGGGGAGGCCCCGGCCCGGAGCTGAGGACCGCAGGCTCCGCGAGTA[CG>C]ACTTCGCCTCGGAGTCCGAGGAGGACGAGCAGCCTCCGCCGCGGGGCCCCGGCTTCAGAG-3'

ClinVar aggregate classification (germline): Pathogenic (1 of 4 stars; one submission).

Submission:

Labcorp Genetics (formerly Invitae), Labcorp
Classification: Pathogenic. Last evaluated: 2023-09-28. Review status: criteria provided, single submitter. Criteria: Invitae Variant Classification Sherloc (09022015). Collection method: clinical testing. Allele origin: germline.
Comment: This variant has not been reported in the literature in individuals affected with ZNF469-related conditions. For these reasons, this variant has been classified as Pathogenic. This variant disrupts a region of the ZNF469 protein in which other variant(s) (p.Pro3556Glnfs*136) have been determined to be pathogenic (PMID: 32671420). This suggests that this is a clinically significant region of the protein, and that variants that disrupt it are likely to be disease-causing. This variant is not present in population databases (gnomAD no frequency). This sequence change creates a premature translational stop signal (p.Asp1065Thrfs*34) in the ZNF469 gene. While this is not anticipated to result in nonsense mediated decay, it is expected to disrupt the last 2861 amino acid(s) of the ZNF469 protein.

Literature cited by the submitters: PubMed 32671420.